The following is an entry in ClinVar:

NM_004104.5(FASN):c.1544G>A (p.Arg515His)

Gene: FASN (fatty acid synthase; minus strand). Cytogenetic location: 17q25.3.
Variant type: single nucleotide variant.
Coding change: c.1544G>A on transcript NM_004104.5 (MANE Select); coding-DNA position 1544, G replaced by A.
Protein change: p.Arg515His; replaces arginine 515 with histidine.
Molecular consequence: missense variant.
Genome position (GRCh38, 1-based): chr17:82,091,018, C>T on the plus strand (G>A on the coding strand, the complement: FASN is on the minus strand). VCF-style: chr17-82091018-C-T. GRCh37 (hg19) VCF-style: chr17-80048894-C-T.
Other names: short protein forms R515H.
Identifiers: ClinVar variation 842272 (VCV000842272.10), dbSNP rs775845460, ClinGen allele CA8853114.

ClinVar aggregate classification (germline): Uncertain significance. Review status: criteria provided, multiple submitters, no conflicts (2 of 4 stars). 2 submissions from 2 submitters: Uncertain significance (2). Last evaluated 2025-04-09.

Conditions:
Epileptic encephalopathy. Identifiers: MedGen C0543888, HP:0200134.

Allele frequency attached by ClinVar (database versions not stated): gnomAD exomes 0.00001; TOPMed 0.00001; ExAC 0.00002.
gnomAD v4.1: 11 of 1,612,754 alleles (0.00068%); highest among the groups gnomAD compares: Admixed American, 0.005%; no homozygotes.

Submissions (2):

Ambry Genetics
Classification: Uncertain significance. Last evaluated: 2025-04-09. Review status: criteria provided, single submitter. Criteria: Ambry Variant Classification Scheme 2023. Collection method: clinical testing. Allele origin: germline.

Labcorp Genetics (formerly Invitae), Labcorp
Classification: Uncertain significance for Epileptic encephalopathy. Last evaluated: 2022-03-19. Review status: criteria provided, single submitter. Criteria: Invitae Variant Classification Sherloc (09022015). Collection method: clinical testing. Allele origin: germline.
Comment: In summary, the available evidence is currently insufficient to determine the role of this variant in disease. Therefore, it has been classified as a Variant of Uncertain Significance. Algorithms developed to predict the effect of missense changes on protein structure and function (SIFT, PolyPhen-2, Align-GVGD) all suggest that this variant is likely to be tolerated. ClinVar contains an entry for this variant (Variation ID: 842272). This variant has not been reported in the literature in individuals affected with FASN-related conditions. This variant is present in population databases (rs775845460, gnomAD 0.006%). This sequence change replaces arginine, which is basic and polar, with histidine, which is basic and polar, at codon 515 of the FASN protein (p.Arg515His).